The following is an entry in ClinVar:

ClinVar aggregate classification (germline): Likely benign. Review status: criteria provided, multiple submitters, no conflicts (2 of 4 stars). 5 submissions from 5 submitters: Likely benign (5). Last evaluated 2025-11-16.

Conditions:
Hyperimmunoglobulin D with periodic fever (HIDS). Also called: Hyperimmunoglobulinemia D with periodic fever; Hyperimmunoglobulinemia D; HYPERIMMUNOGLOBULINEMIA D AND PERIODIC FEVER SYNDROME. Identifiers: Orphanet 343, MedGen C0398691, MONDO:0009849, OMIM 260920.
Mevalonic aciduria (MEVA). Identifiers: Orphanet 29, MedGen C1959626, MONDO:0012481, OMIM 610377.
Porokeratosis 3, disseminated superficial actinic type (POROK3). Also called: POROKERATOSIS 3, MULTIPLE TYPES; POROKERATOSIS 3, MIBELLI TYPE; POROKERATOSIS, DISSEMINATED SUPERFICIAL ACTINIC, 1. Identifiers: MedGen C1867981, MONDO:0008293, OMIM 175900.

Allele frequency attached by ClinVar (database versions not stated): gnomAD exomes 0.00004 and 0.00008; ExAC 0.00006; gnomAD 0.00007 and 0.00008; TOPMed 0.00009.
gnomAD v4.1: 79 of 1,614,060 alleles (0.0049%); highest among the groups gnomAD compares: Middle Eastern, 0.066%; no homozygotes.

Submissions (5):

Labcorp Genetics (formerly Invitae), Labcorp
Classification: Likely benign for Mevalonic aciduria; Hyperimmunoglobulin D with periodic fever; Porokeratosis 3, disseminated superficial actinic type. Last evaluated: 2025-11-16. Review status: criteria provided, single submitter. Criteria: Invitae Variant Classification Sherloc (09022015). Collection method: clinical testing. Allele origin: germline.

CeGaT Center for Human Genetics Tuebingen
Classification: Likely benign. Last evaluated: 2025-09-01. Review status: criteria provided, single submitter. Criteria: CeGaT Center For Human Genetics Tuebingen Variant Classification Criteria Version 2. Collection method: clinical testing. Allele origin: germline. Affected: yes. Observed: 1 variant allele.
Comment: MVK: BP4, BP7

Blueprint Genetics
Classification: Likely benign. Last evaluated: 2023-09-13. Review status: criteria provided, single submitter. Criteria: ACMG Guidelines, 2015. Collection method: clinical testing. Allele origin: germline.

Fulgent Genetics
Classification: Likely benign for Porokeratosis 3, disseminated superficial actinic type; Hyperimmunoglobulin D with periodic fever; Mevalonic aciduria. Last evaluated: 2022-01-10. Review status: criteria provided, single submitter. Criteria: ACMG Guidelines, 2015. Collection method: clinical testing. Allele origin: unknown.

GeneDx
Classification: Likely benign. Last evaluated: 2018-04-05. Review status: criteria provided, single submitter. Criteria: GeneDx Variant Classification Process June 2021. Collection method: clinical testing. Allele origin: germline. Affected: yes.

NM_000431.4(MVK):c.942T>A (p.Ser314=)

Gene: MVK (mevalonate kinase; plus strand). Cytogenetic location: 12q24.11.
Variant type: single nucleotide variant.
Coding change: c.942T>A on transcript NM_000431.4 (MANE Select); coding-DNA position 942, T replaced by A.
Protein change: p.Ser314=; no amino-acid change (serine 314 retained).
Molecular consequence: synonymous variant.
Genome position (GRCh38, 1-based): chr12:109,595,084, T>A. VCF-style: chr12-109595084-T-A. GRCh37 (hg19) VCF-style: chr12-110032889-T-A.
Other names: c.942T>A, p.Ser314= (NM_001114185.3); c.786T>A, p.Ser262= (NM_001301182.2); c.942T>A (LRG_156t1).
Identifiers: ClinVar variation 378187 (VCV000378187.22), dbSNP rs201216490, ClinGen allele CA6779422.